The following is an entry in ClinVar:

ClinVar aggregate classification (germline): Benign/Likely benign. Review status: criteria provided, multiple submitters, no conflicts (2 of 4 stars). 10 submissions from 10 submitters: Benign (6); Likely benign (1). 3 of the submissions do not count toward it. Last evaluated 2026-02-02.

Conditions:
Nonimmune chronic idiopathic neutropenia of adults. Identifiers: Orphanet 2688, MedGen C1842930, MONDO:0011922, OMIM 607847.
Neutropenia, severe congenital, 2, autosomal dominant. Identifiers: Orphanet 486, MedGen C2751288, MONDO:0013139, OMIM 613107.
GFI1-related disorder. Also called: GFI1-related condition.

Submissions (10):

Labcorp Genetics (formerly Invitae), Labcorp
Classification: Benign for Neutropenia, severe congenital, 2, autosomal dominant. Last evaluated: 2026-02-02. Review status: criteria provided, single submitter. Criteria: Invitae Variant Classification Sherloc (09022015). Collection method: clinical testing. Allele origin: germline.

Women's Health and Genetics/Laboratory Corporation of America, LabCorp
Classification: Benign. Last evaluated: 2026-01-22. Review status: criteria provided, single submitter. Criteria: LabCorp Variant Classification Summary - May 2015. Collection method: clinical testing. Allele origin: germline.
Comment: Variant summary: GFI1 c.925-10_925-5dupCTCTCT located at a position not widely known to affect splicing. Consensus agreement among computation tools predicts no significant impact on normal splicing. However, these predictions have yet to be confirmed by functional studies. The variant allele was found at a frequency of 0.25 in 1462356 control chromosomes in the gnomAD database, including 8809 homozygotes. The observed variant frequency exceeds the estimated maximal expected allele frequency for disease-causing variants in GFI1. To our knowledge, no occurrence of c.925-10_925-5dupCTCTCT in individuals affected with GFI1-related conditions and no experimental evidence demonstrating its impact on protein function have been reported. ClinVar contains an entry for this variant (Variation ID: 1170883). Based on the evidence outlined above, the variant was classified as benign.

Laboratory of Genetics, Children's Clinical University Hospital Latvia
Classification: Benign. Last evaluated: 2025-02-16. Review status: criteria provided, single submitter. Criteria: ACMG Guidelines, 2015. Collection method: clinical testing. Allele origin: germline. Affected: yes.

Blueprint Genetics
Classification: Likely benign. Last evaluated: 2024-11-26. Review status: criteria provided, single submitter. Criteria: ACMG Guidelines, 2015. Collection method: clinical testing. Allele origin: germline.

Mayo Clinic Laboratories, Mayo Clinic
Classification: Benign. Last evaluated: 2022-09-06. Review status: criteria provided, single submitter. Criteria: ACMG Guidelines, 2015. Collection method: clinical testing. Allele origin: germline. Observed: 263 variant alleles.

Fulgent Genetics
Classification: Benign for Nonimmune chronic idiopathic neutropenia of adults; Neutropenia, severe congenital, 2, autosomal dominant. Last evaluated: 2022-01-18. Review status: criteria provided, single submitter. Criteria: ACMG Guidelines, 2015. Collection method: clinical testing. Allele origin: unknown.

GeneDx
Classification: Benign. Last evaluated: 2021-05-05. Review status: criteria provided, single submitter. Criteria: GeneDx Variant Classification Process June 2021. Collection method: clinical testing. Allele origin: germline. Affected: yes.

PreventionGenetics, part of Exact Sciences
Classification: Benign for GFI1-related condition. Last evaluated: 2020-08-11. Review status: no assertion criteria provided. Collection method: clinical testing. Allele origin: germline. Not counted in ClinVar's aggregate classification.
Comment: This variant is classified as benign based on ACMG/AMP sequence variant interpretation guidelines (Richards et al. 2015 PMID: 25741868, with internal and published modifications).

Genome Diagnostics Laboratory, University Medical Center Utrecht
Classification: Benign. Review status: no assertion criteria provided. Collection method: clinical testing. Allele origin: germline. Affected: yes. Study: VKGL Data-share Consensus. Not counted in ClinVar's aggregate classification.

Laboratory of Diagnostic Genome Analysis, Leiden University Medical Center (LUMC)
Classification: Likely benign. Review status: no assertion criteria provided. Collection method: clinical testing. Allele origin: germline. Affected: yes. Study: VKGL Data-share Consensus. Not counted in ClinVar's aggregate classification.

NM_005263.5(GFI1):c.925-40CT[21]

Gene: GFI1 (growth factor independent 1 transcriptional repressor; minus strand). Cytogenetic location: 1p22.1.
Variant type: Microsatellite.
Coding change: c.925-40CT[21] on transcript NM_005263.5 (MANE Select); 21 copies in a row of the 2-base unit CT starting at c.925-40; the reference has 18 copies in a row; three copies, 6 bases duplicated.
Molecular consequence: intron variant.
Genome position (GRCh38, 1-based): chr1:92,478,758-92,478,763, AGAGAG duplicated on the plus strand (CTCTCT on the coding strand, the reverse complement: GFI1 is on the minus strand); duplicating any 6 consecutive bases within chr1:92,478,758-92,478,794 gives the same sequence; the position shown is the placement nearest the transcript's 3' end. VCF-style (leftmost placement, unchanged base first): chr1-92478757-C-CAGAGAG. GRCh37 (hg19) VCF-style: chr1-92944314-C-CAGAGAG.
Other names: p.?; c.925-40CT[21] (NM_001127216.3, NM_001127215.3); c.925-10_925-5dup (NM_005263.5); c.925-10_925-5dupCTCTCT (NM_005263.5).
Identifiers: ClinVar variation 1170883 (VCV001170883.21), dbSNP rs35896485, ClinGen allele CA951271.